The following is an entry in ClinVar:

NM_001845.6(COL4A1):c.4306C>G (p.Pro1436Ala)

Gene: COL4A1 (collagen type IV alpha 1 chain; minus strand). Cytogenetic location: 13q34.
Variant type: single nucleotide variant.
Coding change: c.4306C>G on transcript NM_001845.6 (MANE Select); coding-DNA position 4306, C replaced by G.
Protein change: p.Pro1436Ala; replaces proline 1436 with alanine.
Molecular consequence: missense variant.
Genome position (GRCh38, 1-based): chr13:110,162,386, G>C on the plus strand (C>G on the coding strand, the complement: COL4A1 is on the minus strand). VCF-style: chr13-110162386-G-C. GRCh37 (hg19) VCF-style: chr13-110814733-G-C.
Other names: short protein forms P1436A.
Identifiers: ClinVar variation 2772578 (VCV002772578.3), dbSNP rs757423812, ClinGen allele CA7046956.

ClinVar aggregate classification (germline): Uncertain significance (1 of 4 stars; one submission).

Allele frequency attached by ClinVar (database versions not stated): ExAC 0.00001.
gnomAD v4.1: 1 of 1,614,222 alleles (0.000062%); highest among the groups gnomAD compares: Admixed American, 0.0017%; no homozygotes.

Submission:

Labcorp Genetics (formerly Invitae), Labcorp
Classification: Uncertain significance. Last evaluated: 2024-01-02. Review status: criteria provided, single submitter. Criteria: Invitae Variant Classification Sherloc (09022015). Collection method: clinical testing. Allele origin: germline.
Comment: This sequence change replaces proline, which is neutral and non-polar, with alanine, which is neutral and non-polar, at codon 1436 of the COL4A1 protein (p.Pro1436Ala). This variant is present in population databases (rs757423812, gnomAD 0.003%). This variant has not been reported in the literature in individuals affected with COL4A1-related conditions. Experimental studies and prediction algorithms are not available or were not evaluated, and the functional significance of this variant is currently unknown. In summary, the available evidence is currently insufficient to determine the role of this variant in disease. Therefore, it has been classified as a Variant of Uncertain Significance.